The following is an entry in ClinVar:

ClinVar aggregate classification (germline): Uncertain significance. Review status: criteria provided, multiple submitters, no conflicts (2 of 4 stars). 2 submissions from 2 submitters: Uncertain significance (2). Last evaluated 2026-03-18.

Conditions:
Hypertrophic cardiomyopathy 9. Also called: Familial hypertrophic cardiomyopathy 9. Identifiers: MedGen C1861065, MONDO:0013412, OMIM 613765.
Dilated cardiomyopathy 1G (CMD1G). Identifiers: Orphanet 154, MedGen C1858763, MONDO:0011400, OMIM 604145.
Tibial muscular dystrophy (TMD). Also called: UDD MYOPATHY; Tibial muscular dystrophy, tardive; Udd Distal Myopathy – Tibial Muscular Dystrophy. Identifiers: Orphanet 609, MedGen C1838244, MONDO:0010870, OMIM 600334.
Autosomal recessive limb-girdle muscular dystrophy type 2J (LGMDR10). Also called: Limb-girdle muscular dystrophy, type 2J; MUSCULAR DYSTROPHY, LIMB-GIRDLE, AUTOSOMAL RECESSIVE 10. Identifiers: Orphanet 140922, MedGen C1837342, MONDO:0012127, OMIM 608807.
Early-onset myopathy with fatal cardiomyopathy (CMYO5). Also called: Salih Myopathy; CONGENITAL MYOPATHY 5 WITH CARDIOMYOPATHY. Identifiers: Orphanet 289377, MedGen C2673677, MONDO:0012714, OMIM 611705. Disease mechanism: loss of function.
Myopathy, myofibrillar, 9, with early respiratory failure (MFM9). Also called: MYOPATHY, PROXIMAL, WITH EARLY RESPIRATORY MUSCLE INVOLVEMENT; Hereditary myopathy with early respiratory failure; Myopathy, distal, with early respiratory failure, autosomal dominant; EDSTROM MYOPATHY. Identifiers: Orphanet 178464, Orphanet 34521, MedGen C1863599, MONDO:0011362, OMIM 603689.

Allele frequency attached by ClinVar (database versions not stated): gnomAD exomes 0.00002 and 0.00006; gnomAD 0.00003; TOPMed 0.00006; ExAC 0.00007.
gnomAD v4.1: 39 of 1,612,468 alleles (0.0024%); highest among the groups gnomAD compares: Admixed American, 0.022%; no homozygotes.

Submissions (2):

GeneDx
Classification: Uncertain significance. Last evaluated: 2026-03-18. Review status: criteria provided, single submitter. Criteria: GeneDx Variant Classification Process June 2021. Collection method: clinical testing. Allele origin: germline. Affected: yes.
Comment: Nonsense variant predicted to result in protein truncation as the last 900 amino acid(s) are lost; Reported using an alternate transcript of the gene; This variant is associated with the following publications: (PMID: 39641695)

Fulgent Genetics
Classification: Uncertain significance for Tibial muscular dystrophy; Myopathy, myofibrillar, 9, with early respiratory failure; Dilated cardiomyopathy 1G; Autosomal recessive limb-girdle muscular dystrophy type 2J; Early-onset myopathy with fatal cardiomyopathy; Hypertrophic cardiomyopathy 9. Last evaluated: 2021-07-27. Review status: criteria provided, single submitter. Criteria: ACMG Guidelines, 2015. Collection method: clinical testing. Allele origin: unknown.

NM_133379.5(TTN):c.14113C>T (p.Arg4705Ter)

Genes: TTN (titin; minus strand), LOC126806432 (CDK7 strongly-dependent group 2 enhancer GRCh37_chr2:179611985-179613184; plus strand). Cytogenetic location: 2q31.2.
Variant type: single nucleotide variant.
Coding change: c.14113C>T on transcript NM_133379.5; coding-DNA position 14113, C replaced by T.
Protein change: p.Arg4705Ter; replaces arginine 4705 with a stop codon.
Molecular consequence: nonsense. On other transcripts: intron variant (6).
Genome position (GRCh38, 1-based): chr2:178,748,287, G>A on the plus strand (C>T on the coding strand, the complement: TTN is on the minus strand). VCF-style: chr2-178748287-G-A. GRCh37 (hg19) VCF-style: chr2-179613014-G-A.
Other names: c.10222+4837C>T (NM_003319.4); c.10798+4837C>T (NM_133437.4); c.10597+4837C>T (NM_133432.3); c.10360+4837C>T (NM_133378.4, NM_001256850.1); c.11311+4837C>T (NM_001267550.2); short protein forms R4705*.
Identifiers: ClinVar variation 1321676 (VCV001321676.6), dbSNP rs755956493, ClinGen allele CA2003299.